The following is an entry in ClinVar:

ClinVar aggregate classification (germline): Uncertain significance (1 of 4 stars; one submission).

Submission:

GeneDx
Classification: Uncertain significance. Last evaluated: 2024-01-03. Review status: criteria provided, single submitter. Criteria: GeneDx Variant Classification Process June 2021. Collection method: clinical testing. Allele origin: germline. Affected: yes.
Comment: Not observed at significant frequency in large population cohorts (gnomAD); In silico analysis supports that this missense variant has a deleterious effect on protein structure/function; Has not been previously published as pathogenic or benign to our knowledge

NM_000170.3(GLDC):c.1129G>C (p.Ala377Pro)

Gene: GLDC (glycine decarboxylase; minus strand). Cytogenetic location: 9p24.1.
Variant type: single nucleotide variant.
Coding change: c.1129G>C on transcript NM_000170.3 (MANE Select); coding-DNA position 1129, G replaced by C.
Protein change: p.Ala377Pro; replaces alanine 377 with proline.
Molecular consequence: missense variant.
Genome position (GRCh38, 1-based): chr9:6,602,135, C>G on the plus strand (G>C on the coding strand, the complement: GLDC is on the minus strand). VCF-style: chr9-6602135-C-G. GRCh37 (hg19) VCF-style: chr9-6602135-C-G.
Other names: short protein forms A377P.
Identifiers: ClinVar variation 3342809 (VCV003342809.1).